The following is an entry in ClinVar:

NM_001134407.3(GRIN2A):c.730C>T (p.Arg244Cys)

Gene: GRIN2A (glutamate ionotropic receptor NMDA type subunit 2A; minus strand). Cytogenetic location: 16p13.2.
Variant type: single nucleotide variant.
Coding change: c.730C>T on transcript NM_001134407.3 (MANE Select); coding-DNA position 730, C replaced by T.
Protein change: p.Arg244Cys; replaces arginine 244 with cysteine.
Molecular consequence: missense variant.
Genome position (GRCh38, 1-based): chr16:9,938,236, G>A on the plus strand (C>T on the coding strand, the complement: GRIN2A is on the minus strand). VCF-style: chr16-9938236-G-A. GRCh37 (hg19) VCF-style: chr16-10032093-G-A.
Other names: c.730C>T, p.Arg244Cys (NM_000833.5, NM_001134408.2); short protein forms R244C.
Identifiers: ClinVar variation 98452 (VCV000098452.5), dbSNP rs367543123, ClinGen allele CA225857.
Genomic context (GRCh38, chr16:9,938,236, plus strand): 5'-TCCCAGAGACCAAGCTGGGGACAATCCAGAAGAAATCATACCCGGTGAGGCCAAGGGAGC[G>A]GGCCTCACTCAGAATGAGAACAGCCTCGTCTTTGGAACAGTAGAGCAAGATGACAGAAGA-3'
Protein context (NP_001127879.1, residues 234-254): DEAVLILSEA[Arg244Cys]SLGLTGYDFF

ClinVar aggregate classification (germline): Uncertain significance. Review status: criteria provided, multiple submitters, no conflicts (2 of 4 stars). 3 submissions from 3 submitters: Uncertain significance (2). 1 of the submissions does not count toward it. Last evaluated 2022-05-10.

Conditions:
Landau-Kleffner syndrome (FESD). Also called: APHASIA, ACQUIRED, WITH EPILEPSY; EPILEPSY, FOCAL, WITH SPEECH DISORDER AND WITH OR WITHOUT MENTAL RETARDATION. Identifiers: Orphanet 1945, Orphanet 725, Orphanet 98818, MedGen C0282512, MONDO:0009509, OMIM 245570.

Allele frequency attached by ClinVar (database versions not stated): gnomAD exomes below 0.00001; ExAC 0.00001.
gnomAD v4.1: 4 of 1,613,374 alleles (0.00025%); highest among the groups gnomAD compares: Non-Finnish European, 0.00034%; no homozygotes.

Submissions (3):

Department of Pathology and Laboratory Medicine, Sinai Health System
Classification: Uncertain significance for Landau-Kleffner syndrome. Last evaluated: 2022-05-10. Review status: criteria provided, single submitter. Criteria: ACMG Guidelines, 2015. Collection method: research. Allele origin: germline.

GeneDx
Classification: Uncertain significance. Last evaluated: 2019-09-06. Review status: criteria provided, single submitter. Criteria: GeneDx Variant Classification Process June 2021. Collection method: clinical testing. Allele origin: germline. Affected: yes.
Comment: Not observed at a significant frequency in large population cohorts (Lek et al., 2016); In silico analysis, which includes protein predictors and evolutionary conservation, supports a deleterious effect; Has not been previously published as pathogenic or benign to our knowledge

Psychiatry Genetics Yale University
No classification provided. Review status: no classification provided. Collection method: not provided. Allele origin: not provided. Not counted in ClinVar's aggregate classification.